The following is an entry in ClinVar:

ClinVar aggregate classification (germline): Pathogenic (1 of 4 stars; one submission).

Submission:

GeneDx
Classification: Pathogenic. Last evaluated: 2016-09-20. Review status: criteria provided, single submitter. Criteria: GeneDx Variant Classification (06012015). Collection method: clinical testing. Allele origin: germline. Affected: yes.
Comment: The c.1378_1381delCTTG pathogenic variant in the DYRK1A gene has not been reported previously as a pathogenic variant nor as a benign variant, to our knowledge. The c.1378_1381delCTTG variant causes a frameshift starting with codon Leucine 460, changes this amino acid to an Isoleucine residue, and creates a premature Stop codon at position 131 of the new reading frame, denoted p.Leu460IlefsX131. This variant is predicted to cause loss of normal protein function through protein truncation with the last 304 amino acid resides replaced by 130 incorrect amino acid residues. The c.1378_1381delCTTG variant was not observed in approximately 6500 individuals of European and African American ancestry in the NHLBI Exome Sequencing Project, indicating it is not a common benign variant in these populations. We interpret c.1378_1381delCTTG as a pathogenic variant.

NM_001347721.2(DYRK1A):c.1351_1354del (p.Leu451fs)

Gene: DYRK1A (dual specificity tyrosine phosphorylation regulated kinase 1A; plus strand). Cytogenetic location: 21q22.13.
Variant type: Deletion.
Coding change: c.1351_1354del on transcript NM_001347721.2 (MANE Select); coding-DNA positions 1351 to 1354, 4 bases deleted (CTTG; older notation c.1351_1354delCTTG).
Protein change: p.Leu451fs; shifts the reading frame from leucine 451.
Molecular consequence: frameshift variant.
Genome position (GRCh38, 1-based): chr21:37,505,421-37,505,424, CTTG deleted; deleting any 4 consecutive bases within chr21:37,505,419-37,505,424 gives the same sequence; the c. name uses the placement nearest the transcript's 3' end. VCF-style (leftmost placement, unchanged base first): chr21-37505418-ATGCT-A. GRCh37 (hg19) VCF-style: chr21-38877721-ATGCT-A.
Other names: c.1351_1354del, p.Leu451fs (NM_001347722.2, NM_130436.2); c.1264_1267del, p.Leu422fs (NM_001347723.2); c.1378_1381del, p.Leu460fs (NM_001396.5, NM_101395.2, NM_130438.2); short protein forms L422fs, L451fs, L460fs.
Identifiers: ClinVar variation 280864 (VCV000280864.2), dbSNP rs886041993, ClinGen allele CA10603682.